The following is an entry in ClinVar:

ClinVar aggregate classification (germline): Pathogenic (1 of 4 stars; one submission).

Conditions:
Familial adenomatous polyposis 1 (FAP1). Also called: FAMILIAL ADENOMATOUS POLYPOSIS 1, ATTENUATED; POLYPOSIS, ADENOMATOUS INTESTINAL. Identifiers: MedGen C2713442, MONDO:0021056, OMIM 175100. Disease mechanism: loss of function.

Submission:

Labcorp Genetics (formerly Invitae), Labcorp
Classification: Pathogenic for Familial adenomatous polyposis 1. Last evaluated: 2024-11-28. Review status: criteria provided, single submitter. Criteria: Invitae Variant Classification Sherloc (09022015). Collection method: clinical testing. Allele origin: germline.
Comment: This sequence change creates a premature translational stop signal (p.Arg259Profs*4) in the APC gene. It is expected to result in an absent or disrupted protein product. Loss-of-function variants in APC are known to be pathogenic (PMID: 17963004, 20685668). This variant is not present in population databases (gnomAD no frequency). This variant has not been reported in the literature in individuals affected with APC-related conditions. For these reasons, this variant has been classified as Pathogenic.

Literature cited by the submitters: PubMed 17963004; PubMed 20685668.

NM_000038.6(APC):c.775dup (p.Arg259fs)

Gene: APC (APC regulator of Wnt signaling pathway; plus strand). Cytogenetic location: 5q22.2.
Variant type: Duplication.
Coding change: c.775dup on transcript NM_000038.6 (MANE Select); coding-DNA position 775, one base duplicated (C; older notation c.775dupC).
Protein change: p.Arg259fs; shifts the reading frame from arginine 259.
Molecular consequence: frameshift variant. On other transcripts: 5 prime UTR variant (4), non-coding transcript variant (2).
Genome position (GRCh38, 1-based): chr5:112,801,324, C duplicated. VCF-style (leftmost placement, unchanged base first): chr5-112801323-G-GC. GRCh37 (hg19) VCF-style: chr5-112137020-G-GC.
Other names: c.775dup, p.Arg259fs (NM_001127510.3, NM_001354895.2, NM_001354896.2 and 12 more transcripts); c.721dup, p.Arg241fs (NM_001127511.3); c.805dup, p.Arg269fs (NM_001354897.2, NM_001354902.2, NM_001407446.1); c.700dup, p.Arg234fs (NM_001354898.2, NM_001354904.2, NM_001407451.1); c.691dup, p.Arg231fs (NM_001354899.2, NM_001407452.1, NM_001407467.1 and 1 more transcripts); c.598dup, p.Arg200fs (NM_001354900.2, NM_001354901.2, NM_001354905.2 and 1 more transcripts); c.-261dup (NM_001354906.2, NM_001407470.1, NM_001407471.1 and 1 more transcripts); short protein forms R200fs, R234fs, R241fs, R269fs, R231fs, R259fs.
Identifiers: ClinVar variation 3726341 (VCV003726341.2).